The following is an entry in ClinVar:

NM_172364.5(CACNA2D4):c.3146A>C (p.Asn1049Thr)

Gene: CACNA2D4 (calcium voltage-gated channel auxiliary subunit alpha2delta 4; minus strand). Cytogenetic location: 12p13.33.
Variant type: single nucleotide variant.
Coding change: c.3146A>C on transcript NM_172364.5 (MANE Select); coding-DNA position 3146, A replaced by C.
Protein change: p.Asn1049Thr; replaces asparagine 1049 with threonine.
Molecular consequence: missense variant.
Genome position (GRCh38, 1-based): chr12:1,795,748, T>G on the plus strand (A>C on the coding strand, the complement: CACNA2D4 is on the minus strand). VCF-style: chr12-1795748-T-G. GRCh37 (hg19) VCF-style: chr12-1904914-T-G.
Other names: short protein forms N1049T.
Identifiers: ClinVar variation 861938 (VCV000861938.9), dbSNP rs773902275, ClinGen allele CA6386046.

ClinVar aggregate classification (germline): Uncertain significance. Review status: criteria provided, multiple submitters, no conflicts (2 of 4 stars). 3 submissions from 3 submitters: Uncertain significance (3). Last evaluated 2025-02-05.

Conditions:
Inborn genetic diseases. Identifiers: MedGen C0950123, MeSH D030342.

Allele frequency attached by ClinVar (database versions not stated): ExAC 0.00001; gnomAD exomes 0.00002 and 0.00005; gnomAD 0.00003 and 0.00004.
gnomAD v4.1: 82 of 1,606,968 alleles (0.0051%); highest among the groups gnomAD compares: Non-Finnish European, 0.0067%; no homozygotes.

Submissions (3):

Ambry Genetics
Classification: Uncertain significance for Inborn genetic diseases. Last evaluated: 2025-02-05. Review status: criteria provided, single submitter. Criteria: Ambry Variant Classification Scheme 2023. Collection method: clinical testing. Allele origin: germline.

Labcorp Genetics (formerly Invitae), Labcorp
Classification: Uncertain significance. Last evaluated: 2024-09-23. Review status: criteria provided, single submitter. Criteria: Invitae Variant Classification Sherloc (09022015). Collection method: clinical testing. Allele origin: germline.
Comment: This sequence change replaces asparagine, which is neutral and polar, with threonine, which is neutral and polar, at codon 1049 of the CACNA2D4 protein (p.Asn1049Thr). This variant is present in population databases (rs773902275, gnomAD 0.006%). This variant has not been reported in the literature in individuals affected with CACNA2D4-related conditions. ClinVar contains an entry for this variant (Variation ID: 861938). An algorithm developed to predict the effect of missense changes on protein structure and function (PolyPhen-2) suggests that this variant is likely to be disruptive. In summary, the available evidence is currently insufficient to determine the role of this variant in disease. Therefore, it has been classified as a Variant of Uncertain Significance.

Blueprint Genetics
Classification: Uncertain significance. Last evaluated: 2021-10-19. Review status: criteria provided, single submitter. Criteria: ACMG Guidelines, 2015. Collection method: clinical testing. Allele origin: germline.